The following is an entry in ClinVar:

ClinVar aggregate classification (germline): Uncertain significance (1 of 4 stars; one submission).

Submission:

GeneDx
Classification: Uncertain significance. Last evaluated: 2024-06-27. Review status: criteria provided, single submitter. Criteria: GeneDx Variant Classification Process June 2021. Collection method: clinical testing. Allele origin: germline. Affected: yes.
Comment: Not observed at significant frequency in large population cohorts (gnomAD); In silico analysis indicates that this missense variant does not alter protein structure/function; Has not been previously published as pathogenic or benign to our knowledge

NM_053025.4(MYLK):c.1853G>C (p.Ser618Thr)

Gene: MYLK (myosin light chain kinase; minus strand). Cytogenetic location: 3q21.1.
Variant type: single nucleotide variant.
Coding change: c.1853G>C on transcript NM_053025.4 (MANE Select); coding-DNA position 1853, G replaced by C.
Protein change: p.Ser618Thr; replaces serine 618 with threonine.
Molecular consequence: missense variant.
Genome position (GRCh38, 1-based): chr3:123,709,845, C>G on the plus strand (G>C on the coding strand, the complement: MYLK is on the minus strand). VCF-style: chr3-123709845-C-G. GRCh37 (hg19) VCF-style: chr3-123428692-C-G.
Other names: c.1325G>C, p.Ser442Thr (NM_001321309.2); c.1646G>C, p.Ser549Thr (NM_053026.4, NM_053028.4); c.1853G>C, p.Ser618Thr (NM_053027.4); short protein forms S442T, S549T, S618T.
Identifiers: ClinVar variation 3392935 (VCV003392935.1).
Genomic context (GRCh38, chr3:123,709,845, plus strand): 5'-CTTCCATCCATGACTTTGAGATCAGAGAGGCCCTGCAGGAAGATGGGTGCAGTGGGCTTG[C>G]TGGGAGCCACAGGCAGAAGGTACTCACTCTTCCTGCTACTCTTCTTTTCTGTGTGGTAGA-3'
Protein context (NP_444253.3, residues 608-628): KSEYLLPVAP[Ser618Thr]KPTAPIFLQG